The following is an entry in ClinVar:

NM_013266.4(CTNNA3):c.38del (p.Pro13fs)

Gene: CTNNA3 (catenin alpha 3; minus strand). Cytogenetic location: 10q21.3.
Variant type: Deletion.
Coding change: c.38del on transcript NM_013266.4 (MANE Select); coding-DNA position 38, one base deleted (C; older notation c.38delC).
Protein change: p.Pro13fs; shifts the reading frame from proline 13.
Molecular consequence: frameshift variant.
Genome position (GRCh38, 1-based): chr10:67,647,476, G deleted on the plus strand (C on the coding strand, the reverse complement: CTNNA3 is on the minus strand); the first of 2 consecutive G bases (chr10:67,647,476-67,647,477); deleting either gives the same sequence. VCF-style (leftmost placement, unchanged base first): chr10-67647475-AG-A. GRCh37 (hg19) VCF-style: chr10-69407233-AG-A.
Other names: c.38del, p.Pro13fs (NM_001127384.3); c.74del, p.Pro25fs (NM_001291133.2); short protein forms P25fs, P13fs.
Identifiers: ClinVar variation 1466925 (VCV001466925.7), dbSNP rs1169564335, ClinGen allele CA667754411.

ClinVar aggregate classification (germline): Uncertain significance. Review status: criteria provided, multiple submitters, no conflicts (2 of 4 stars). 2 submissions from 2 submitters: Uncertain significance (2). Last evaluated 2025-09-09.

Conditions:
Arrhythmogenic right ventricular dysplasia 13. Also called: ARRHYTHMOGENIC RIGHT VENTRICULAR CARDIOMYOPATHY 13; Arrhythmogenic right ventricular dysplasia, familial, 13. Identifiers: MedGen C3810138, MONDO:0000908, OMIM 615616.

Submissions (2):

Labcorp Genetics (formerly Invitae), Labcorp
Classification: Uncertain significance for Arrhythmogenic right ventricular dysplasia 13. Last evaluated: 2025-09-09. Review status: criteria provided, single submitter. Criteria: Invitae Variant Classification Sherloc (09022015). Collection method: clinical testing. Allele origin: germline.
Comment: This sequence change creates a premature translational stop signal (p.Pro13Leufs*19) in the CTNNA3 gene. It is expected to result in an absent or disrupted protein product. However, the current clinical and genetic evidence is not sufficient to establish whether loss-of-function variants in CTNNA3 cause disease. This variant is not present in population databases (gnomAD no frequency). This variant has not been reported in the literature in individuals affected with CTNNA3-related conditions. ClinVar contains an entry for this variant (Variation ID: 1466925). In summary, the available evidence is currently insufficient to determine the role of this variant in disease. Therefore, it has been classified as a Variant of Uncertain Significance.

Blueprint Genetics
Classification: Uncertain significance. Last evaluated: 2024-05-08. Review status: criteria provided, single submitter. Criteria: ACMG Guidelines, 2015. Collection method: clinical testing. Allele origin: germline.